The following is an entry in ClinVar:

ClinVar aggregate classification (germline): Pathogenic/Likely pathogenic. Review status: criteria provided, multiple submitters, no conflicts (2 of 4 stars). 2 submissions from 2 submitters: Pathogenic (1); Likely pathogenic (1). Last evaluated 2026-02-21.

Conditions:
Glycogen storage disease, type VI (GSD6). Also called: Glycogen storage disease type 6; Hepatic glycogen phosphorylase deficiency; HERS DISEASE; PHOSPHORYLASE DEFICIENCY GLYCOGEN-STORAGE DISEASE OF LIVER; Glycogen storage disease type 6, due to phosphorylation; GSD VI. Identifiers: Orphanet 369, MedGen C0017925, MONDO:0009294, OMIM 232700.

Allele frequency attached by ClinVar (database versions not stated): gnomAD exomes below 0.00001; TOPMed below 0.00001; ExAC 0.00001.
gnomAD v4.1: 1 of 1,607,958 alleles (0.000062%); highest among the groups gnomAD compares: Non-Finnish European, 0.000085%; no homozygotes.

Submissions (2):

Dasa
Classification: Likely pathogenic for Glycogen storage disease, type VI. Last evaluated: 2026-02-21. Review status: criteria provided, single submitter. Criteria: DASA Assertion Criteria. Collection method: clinical testing. Allele origin: germline.
Comment: NM_002863.5(PYGL):c.1404-1G>A affects a canonical splice site and is predicted to disrupt normal RNA splicing. Loss of function is an established disease mechanism for PYGL-associated disorders. Also, this variant is rare in population databases. Based on the currently available evidence, this variant is classified as likely pathogenic.

Mendelics
Classification: Pathogenic for Glycogen storage disease, type VI. Last evaluated: 2022-05-04. Review status: criteria provided, single submitter. Criteria: Mendelics Assertion Criteria 2019. Collection method: clinical testing. Allele origin: germline.

NM_002863.5(PYGL):c.1404-1G>A

Gene: PYGL (glycogen phosphorylase L; minus strand). Cytogenetic location: 14q22.1.
Variant type: single nucleotide variant.
Coding change: c.1404-1G>A on transcript NM_002863.5 (MANE Select); the canonical splice acceptor site of the intron before coding-DNA position 1404, G replaced by A.
Molecular consequence: splice acceptor variant.
Genome position (GRCh38, 1-based): chr14:50,914,816, C>T on the plus strand (G>A on the coding strand, the complement: PYGL is on the minus strand). VCF-style: chr14-50914816-C-T. GRCh37 (hg19) VCF-style: chr14-51381534-C-T.
Other names: c.1302-1G>A (NM_001163940.2).
Identifiers: ClinVar variation 1686118 (VCV001686118.3), dbSNP rs750567664, ClinGen allele CA7183463.